The following is an entry in ClinVar:

ClinVar aggregate classification (germline): Uncertain significance (1 of 4 stars; one submission).

Conditions:
Muscular dystrophy-dystroglycanopathy (congenital with brain and eye anomalies), type A2. Also called: MUSCULAR DYSTROPHY-DYSTROGLYCANOPATHY (CONGENITAL WITH BRAIN AND EYE ANOMALIES), TYPE A, 2; WALKER-WARBURG SYNDROME OR MUSCLE-EYE-BRAIN DISEASE, POMT2-RELATED. Identifiers: Orphanet 588, Orphanet 899, MedGen C3150411, MONDO:0013154, OMIM 613150.
Muscular dystrophy-dystroglycanopathy (congenital with impaired intellectual development), type B, 2. Also called: Muscular dystrophy-dystroglycanopathy (congenital with intellectual disability), type B2; MUSCULAR DYSTROPHY, CONGENITAL, POMT2-RELATED. Identifiers: MedGen C3150416, MONDO:0013160, OMIM 613156.
Autosomal recessive limb-girdle muscular dystrophy type 2N. Also called: Muscular dystrophy-dystroglycanopathy (limb-girdle), type C, 2; MUSCULAR DYSTROPHY-DYSTROGLYCANOPATHY, LIMB-GIRDLE, POMT2-RELATED. Identifiers: Orphanet 206559, MedGen C3150418, MONDO:0013162, OMIM 613158.

Allele frequency attached by ClinVar (database versions not stated): gnomAD 0.00002; gnomAD exomes 0.00001 and 0.00002; TOPMed 0.00001; ExAC 0.00002.
gnomAD v4.1: 12 of 1,613,976 alleles (0.00074%); highest among the groups gnomAD compares: South Asian, 0.0099%; 1 homozygote.

Submission:

Labcorp Genetics (formerly Invitae), Labcorp
Classification: Uncertain significance for Muscular dystrophy-dystroglycanopathy (congenital with impaired intellectual development), type B, 2; Muscular dystrophy-dystroglycanopathy (congenital with brain and eye anomalies), type A2; Autosomal recessive limb-girdle muscular dystrophy type 2N. Last evaluated: 2022-03-10. Review status: criteria provided, single submitter. Criteria: Invitae Variant Classification Sherloc (09022015). Collection method: clinical testing. Allele origin: germline.
Comment: This sequence change replaces alanine, which is neutral and non-polar, with threonine, which is neutral and polar, at codon 296 of the POMT2 protein (p.Ala296Thr). This variant is present in population databases (rs762885008, gnomAD 0.01%). This variant has not been reported in the literature in individuals affected with POMT2-related conditions. ClinVar contains an entry for this variant (Variation ID: 956858). Algorithms developed to predict the effect of missense changes on protein structure and function output the following: SIFT: "Tolerated"; PolyPhen-2: "Benign"; Align-GVGD: "Class C0". The threonine amino acid residue is found in multiple mammalian species, which suggests that this missense change does not adversely affect protein function. In summary, the available evidence is currently insufficient to determine the role of this variant in disease. Therefore, it has been classified as a Variant of Uncertain Significance.

NM_013382.7(POMT2):c.886G>A (p.Ala296Thr)

Gene: POMT2 (protein O-mannosyltransferase 2; minus strand). Cytogenetic location: 14q24.3.
Variant type: single nucleotide variant.
Coding change: c.886G>A on transcript NM_013382.7 (MANE Select); coding-DNA position 886, G replaced by A.
Protein change: p.Ala296Thr; replaces alanine 296 with threonine.
Molecular consequence: missense variant.
Genome position (GRCh38, 1-based): chr14:77,299,492, C>T on the plus strand (G>A on the coding strand, the complement: POMT2 is on the minus strand). VCF-style: chr14-77299492-C-T. GRCh37 (hg19) VCF-style: chr14-77765835-C-T.
Other names: short protein forms A296T.
Identifiers: ClinVar variation 956858 (VCV000956858.3), dbSNP rs762885008, ClinGen allele CA7286055.